The following is an entry in ClinVar:

NM_000132.4(F8):c.2048A>G (p.Tyr683Cys)

Gene: F8 (coagulation factor VIII; minus strand). Cytogenetic location: Xq28.
Variant type: single nucleotide variant.
Coding change: c.2048A>G on transcript NM_000132.4 (MANE Select); coding-DNA position 2048, A replaced by G.
Protein change: p.Tyr683Cys; replaces tyrosine 683 with cysteine.
Molecular consequence: missense variant.
Genome position (GRCh38, 1-based): chrX:154,947,763, T>C on the plus strand (A>G on the coding strand, the complement: F8 is on the minus strand). VCF-style: chrX-154947763-T-C. GRCh37 (hg19) VCF-style: chrX-154176038-T-C.
Other names: short protein forms Y683C.
Identifiers: ClinVar variation 1330638 (VCV001330638.9), dbSNP rs1384374956, ClinGen allele CA414909238.

ClinVar aggregate classification (germline): Pathogenic. Review status: criteria provided, multiple submitters, no conflicts (2 of 4 stars). 3 submissions from 3 submitters: Pathogenic (3). Last evaluated 2024-05-08.

Conditions:
Hereditary factor VIII deficiency disease (HEMA). Also called: HEMOPHILIA, CLASSIC; AUTOSOMAL HEMOPHILIA A; Hemophilia A; Hemophilia A, congenital; HEM A; Factor 8 deficiency, congenital. Identifiers: Orphanet 98878, MedGen C0019069, MONDO:0010602, OMIM 306700.

Allele frequency attached by ClinVar (database versions not stated): gnomAD exomes below 0.00001; TOPMed 0.00011.
gnomAD v4.1: 1 of 1,210,809 alleles (0.000083%); highest among the groups gnomAD compares: Non-Finnish European, 0.00011%; no homozygotes.

Submissions (3):

Women's Health and Genetics/Laboratory Corporation of America, LabCorp
Classification: Pathogenic for Hereditary factor VIII deficiency disease. Last evaluated: 2024-05-08. Review status: criteria provided, single submitter. Criteria: LabCorp Variant Classification Summary - May 2015. Collection method: clinical testing. Allele origin: germline.
Comment: Variant summary: F8 c.2048A>G (p.Tyr683Cys) results in a non-conservative amino acid change in the encoded protein sequence. Five of five in-silico tools predict a damaging effect of the variant on protein function. The variant was absent in 183248 control chromosomes. c.2048A>G has been reported in the literature in multiple individuals affected with Factor VIII Deficiency (Hemophilia A) (example: Timur_2001, Casana_2008, Villarreal-Martnez_2020, Xue_2020, Borras_2022). These data indicate that the variant is very likely to be associated with disease. The following publications have been ascertained in the context of this evaluation (PMID: 32224444, 20528906, 34708896, 11554935, 18403393). ClinVar contains an entry for this variant (Variation ID: 1330638). Based on the evidence outlined above, the variant was classified as pathogenic.

3billion
Classification: Pathogenic for Hereditary factor VIII deficiency disease. Last evaluated: 2023-02-23. Review status: criteria provided, single submitter. Criteria: ACMG Guidelines, 2015. Collection method: clinical testing. Allele origin: unknown. Affected: yes.
Comment: The variant is not observed in the gnomAD v2.1.1 dataset. The variant is located in a mutational hot spot and/or well-established functional domain in which established pathogenic variants have been reported. In silico tool predictions suggest damaging effect of the variant on gene or gene product (REVEL: 0.70; 3Cnet: 0.83). Same nucleotide change resulting in same amino acid change has been previously reported to be associated with F8-related disorder (ClinVar ID: VCV001330638 / PMID: 11554935). The variant has been observed in multiple (>3) similarly affected unrelated individuals (PMID: 11554935, 12325022, 12871415, 18403393, 19719548, 21070499, 29296726). Different missense changes at the same codon (p.Tyr683Asn, p.Tyr683His, p.Tyr683Ser) have been reported to be associated with F8-related disorder (PMID: 22958177, 23926300, 9886318). Therefore, this variant is classified as Pathogenic according to the recommendation of ACMG/AMP guideline.

ARUP Laboratories, Molecular Genetics and Genomics, ARUP Laboratories
Classification: Pathogenic for Hereditary factor VIII deficiency disease. Last evaluated: 2020-11-30. Review status: criteria provided, single submitter. Criteria: ARUP Molecular Germline Variant Investigation Process 2021. Collection method: clinical testing. Allele origin: germline.
Comment: The F8 c.2048A>G; p.Tyr683Cys variant, also known as Tyr664Cys, is reported in the literature in at least 22 individuals affected with severe hemophilia A (See link to F8 database and references therein, Villarreal-Martinez 2020). In vitro functional analyses demonstrate that almost all individuals with this variant had <1% factor VIII activity (see link to F8 database). This variant is absent from general population databases (Exome Variant Server, Genome Aggregation Database), indicating it is not a common polymorphism. The tyrosine at codon 683 is highly conserved, but computational analyses are uncertain whether this variant is neutral or deleterious (REVEL: 0.696). Based on available information, this variant is considered to be pathogenic. REFERENCES Link to F8 database: Villarreal-Martinez L et al. Molecular genetic diagnosis by next-generation sequencing in a cohort of Mexican patients with haemophilia and report of novel variants. Blood Cells Mol Dis. 2020 Jul;83:102423.

Literature cited by the submitters: PubMed 34708896 (cited by Women's Health and Genetics/Laboratory Corporation of America, LabCorp); PubMed 18403393 (cited by Women's Health and Genetics/Laboratory Corporation of America, LabCorp and 3billion); PubMed 11554935 (cited by Women's Health and Genetics/Laboratory Corporation of America, LabCorp and 3billion); PubMed 32224444 (cited by Women's Health and Genetics/Laboratory Corporation of America, LabCorp); PubMed 20528906 (cited by Women's Health and Genetics/Laboratory Corporation of America, LabCorp); PubMed 12871415 (cited by 3billion); PubMed 9886318 (cited by 3billion); PubMed 22958177 (cited by 3billion); PubMed 29296726 (cited by 3billion); PubMed 23926300 (cited by 3billion); PubMed 19719548 (cited by 3billion); PubMed 21070499 (cited by 3billion); PubMed 12325022 (cited by 3billion).